The following is an entry in ClinVar:

ClinVar aggregate classification (germline): Uncertain significance. Review status: criteria provided, multiple submitters, no conflicts (2 of 4 stars). 2 submissions from 2 submitters: Uncertain significance (2). Last evaluated 2023-07-21.

Conditions:
Cardiovascular phenotype. Identifiers: MedGen CN230736.

Allele frequency attached by ClinVar (database versions not stated): gnomAD 0.00001 and 0.00009; TOPMed 0.00001; 1000 Genomes Project 30x 0.00047; 1000 Genomes Project 0.00060; ExAC 0.00073.

Submissions (2):

Ambry Genetics
Classification: Uncertain significance for Cardiovascular phenotype. Last evaluated: 2023-07-21. Review status: criteria provided, single submitter. Criteria: Ambry Variant Classification Scheme 2023. Collection method: clinical testing. Allele origin: germline.
Comment: The p.P211S variant (also known as c.631C>T), located in coding exon 2 of the TNXB gene, results from a C to T substitution at nucleotide position 631. The proline at codon 211 is replaced by serine, an amino acid with similar properties. This amino acid position is conserved. In addition, this alteration is predicted to be tolerated by in silico analysis. Since supporting evidence is limited at this time, the clinical significance of this alteration remains unclear.

GeneDx
Classification: Uncertain significance. Last evaluated: 2019-08-16. Review status: criteria provided, single submitter. Criteria: GeneDx Variant Classification Process June 2021. Collection method: clinical testing. Allele origin: germline. Affected: yes.
Comment: Has not been previously published as pathogenic or benign to our knowledge; In silico analysis, which includes protein predictors and evolutionary conservation, supports a deleterious effect

NM_001365276.2(TNXB):c.631C>T (p.Pro211Ser)

Gene: TNXB (tenascin XB; minus strand). Cytogenetic location: 6p21.33.
Variant type: single nucleotide variant.
Coding change: c.631C>T on transcript NM_001365276.2 (MANE Select); coding-DNA position 631, C replaced by T.
Protein change: p.Pro211Ser; replaces proline 211 with serine.
Molecular consequence: missense variant.
Genome position (GRCh38, 1-based): chr6:32,097,222, G>A on the plus strand (C>T on the coding strand, the complement: TNXB is on the minus strand). VCF-style: chr6-32097222-G-A. GRCh37 (hg19) VCF-style: chr6-32064999-G-A.
Other names: c.631C>T, p.Pro211Ser (NM_019105.8); short protein forms P211S.
Identifiers: ClinVar variation 1308004 (VCV001308004.5), dbSNP rs559844112, ClinGen allele CA3735817.